The following is an entry in ClinVar:

ClinVar aggregate classification (germline): Uncertain significance (1 of 4 stars; one submission).

Submission:

GeneDx
Classification: Uncertain significance. Last evaluated: 2025-06-24. Review status: criteria provided, single submitter. Criteria: GeneDx Variant Classification Process June 2021. Collection method: clinical testing. Allele origin: germline. Affected: yes.
Comment: Not observed at significant frequency in large population cohorts (gnomAD); In silico analysis suggests that this missense variant does not alter protein structure/function; Has not been previously published as pathogenic or benign to our knowledge

NM_001357.5(DHX9):c.3179C>G (p.Thr1060Ser)

Gene: DHX9 (DExH-box helicase 9; plus strand). Cytogenetic location: 1q25.3.
Variant type: single nucleotide variant.
Coding change: c.3179C>G on transcript NM_001357.5 (MANE Select); coding-DNA position 3179, C replaced by G.
Protein change: p.Thr1060Ser; replaces threonine 1060 with serine.
Molecular consequence: missense variant. On other transcripts: non-coding transcript variant (1).
Genome position (GRCh38, 1-based): chr1:182,883,554, C>G. VCF-style: chr1-182883554-C-G. GRCh37 (hg19) VCF-style: chr1-182852689-C-G.
Other names: short protein forms T1060S.
Identifiers: ClinVar variation 4540273 (VCV004540273.1).